The following is an entry in ClinVar:

ClinVar aggregate classification (germline): Uncertain significance. Review status: criteria provided, multiple submitters, no conflicts (2 of 4 stars). 5 submissions from 5 submitters: Uncertain significance (4). 1 of the submissions does not count toward it. Last evaluated 2025-12-26.

Conditions:
Zellweger spectrum disorders (ZS). Also called: Zellweger syndrome; Zellweger Spectrum Disorder; Zellweger Spectrum; Zellweger Spectrum Disorder (ZSD). Identifiers: Orphanet 912, MedGen C0043459, MONDO:0019609.
Heimler syndrome 1 (HMLR1). Also called: PEROXISOME BIOGENESIS DISORDER 1C. Identifiers: Orphanet 3220, MedGen C4551980, OMIM 234580, MONDO:0024544.
Peroxisome biogenesis disorder 1B (PBD1B). Also called: Refsum disease, infantile form; Infantile Refsum disease; Infantile form of phytanic acid storage disease; PEROXISOME BIOGENESIS DISORDER (NEONATAL ADRENOLEUKODYSTROPHY/INFANTILE REFSUM DISEASE); INFANTILE PHYTANIC ACID STORAGE DISEASE; PEROXISOME BIOGENESIS DISORDER (NALD/IRD). Identifiers: Orphanet 44, MedGen C0282527, MONDO:0011101, OMIM 601539.
Peroxisome biogenesis disorder 1A (Zellweger) (PBD1A). Also called: Peroxisome biogenesis disorder 1a; Zellweger leukodystrophy. Identifiers: MedGen C4721541, MONDO:0008953, OMIM 214100.

Allele frequency attached by ClinVar (database versions not stated): ExAC 0.00003; gnomAD exomes 0.00004 and 0.00007; gnomAD 0.00006 and 0.00007; TOPMed 0.00006; 1000 Genomes Project 30x 0.00016; 1000 Genomes Project 0.00020.
gnomAD v4.1: 106 of 1,613,928 alleles (0.0066%); highest among the groups gnomAD compares: Non-Finnish European, 0.0081%; no homozygotes.

Submissions (5):

Women's Health and Genetics/Laboratory Corporation of America, LabCorp
Classification: Uncertain significance. Last evaluated: 2025-12-26. Review status: criteria provided, single submitter. Criteria: LabCorp Variant Classification Summary - May 2015. Collection method: clinical testing. Allele origin: germline.
Comment: Variant summary: PEX1 c.2843G>A (p.Arg948Gln) results in a conservative amino acid change in the encoded protein sequence. Algorithms developed to predict the effect of missense changes on protein structure and function are either unavailable or do not agree on the potential impact of this missense change. The variant allele was found at a frequency of 4.4e-05 in 251322 control chromosomes. This frequency is not significantly higher than estimated for a pathogenic variant in PEX1 causing Zellweger Syndrome (4.4e-05 vs 0.0039), allowing no conclusion about variant significance. c.2843G>A has been observed in an individual affected with Zellweger Syndrome, however they also were homozygous for a pathogenic variant in PEX26 (Yik_2009). This report does not provide unequivocal conclusions about association of the variant with Zellweger Syndrome. To our knowledge, no experimental evidence demonstrating an impact on protein function has been reported. The following publication has been ascertained in the context of this evaluation (PMID: 19105186). ClinVar contains an entry for this variant (Variation ID: 441031). Based on the evidence outlined above, the variant was classified as uncertain significance.

Blueprint Genetics
Classification: Uncertain significance. Last evaluated: 2024-02-15. Review status: criteria provided, single submitter. Criteria: ACMG Guidelines, 2015. Collection method: clinical testing. Allele origin: germline.

Labcorp Genetics (formerly Invitae), Labcorp
Classification: Uncertain significance for Zellweger spectrum disorders. Last evaluated: 2024-01-22. Review status: criteria provided, single submitter. Criteria: Invitae Variant Classification Sherloc (09022015). Collection method: clinical testing. Allele origin: germline.
Comment: This sequence change replaces arginine, which is basic and polar, with glutamine, which is neutral and polar, at codon 948 of the PEX1 protein (p.Arg948Gln). This variant is present in population databases (rs535271603, gnomAD 0.02%). This missense change has been observed in individual(s) with clinical features of peroxisome biogenesis disorders (PMID: 19105186). ClinVar contains an entry for this variant (Variation ID: 441031). Advanced modeling of protein sequence and biophysical properties (such as structural, functional, and spatial information, amino acid conservation, physicochemical variation, residue mobility, and thermodynamic stability) performed at Invitae indicates that this missense variant is expected to disrupt PEX1 protein function with a positive predictive value of 80%. In summary, the available evidence is currently insufficient to determine the role of this variant in disease. Therefore, it has been classified as a Variant of Uncertain Significance.

Fulgent Genetics
Classification: Uncertain significance for Peroxisome biogenesis disorder 1A (Zellweger); Heimler syndrome 1; Peroxisome biogenesis disorder 1B. Last evaluated: 2021-08-15. Review status: criteria provided, single submitter. Criteria: ACMG Guidelines, 2015. Collection method: clinical testing. Allele origin: unknown.

Counsyl
Classification: Uncertain significance for Peroxisome biogenesis disorder 1A (Zellweger). Last evaluated: 2017-10-24. Review status: no assertion criteria provided. Collection method: clinical testing. Allele origin: unknown. Not counted in ClinVar's aggregate classification.

Literature cited by the submitters: PubMed 19105186 (cited by 3 submitters).

NM_000466.3(PEX1):c.2843G>A (p.Arg948Gln)

Genes: GATAD1 (GATA zinc finger domain containing 1; plus strand), PEX1 (peroxisomal biogenesis factor 1; minus strand). Cytogenetic location: 7q21.2.
Variant type: single nucleotide variant.
Coding change: c.2843G>A on transcript NM_000466.3 (MANE Select); coding-DNA position 2843, G replaced by A.
Protein change: p.Arg948Gln; replaces arginine 948 with glutamine.
Molecular consequence: missense variant.
Genome position (GRCh38, 1-based): chr7:92,494,570, C>T on the plus strand (G>A on the coding strand, the complement: PEX1 is on the minus strand). VCF-style: chr7-92494570-C-T. GRCh37 (hg19) VCF-style: chr7-92123884-C-T.
Other names: c.2672G>A, p.Arg891Gln (NM_001282677.2); c.2219G>A, p.Arg740Gln (NM_001282678.2); short protein forms R948Q, R740Q, R891Q.
Identifiers: ClinVar variation 441031 (VCV000441031.11), dbSNP rs535271603, ClinGen allele CA4340994.